The following is an entry in ClinVar:

NM_000111.3(SLC26A3):c.1711C>A (p.Arg571Ser)

Gene: SLC26A3 (solute carrier family 26 member 3; minus strand). Cytogenetic location: 7q22.3.
Variant type: single nucleotide variant.
Coding change: c.1711C>A on transcript NM_000111.3 (MANE Select); coding-DNA position 1711, C replaced by A.
Protein change: p.Arg571Ser; replaces arginine 571 with serine.
Molecular consequence: missense variant.
Genome position (GRCh38, 1-based): chr7:107,774,839, G>T on the plus strand (C>A on the coding strand, the complement: SLC26A3 is on the minus strand). VCF-style: chr7-107774839-G-T. GRCh37 (hg19) VCF-style: chr7-107415284-G-T.
Other names: short protein forms R571S.
Identifiers: ClinVar variation 1940751 (VCV001940751.2), dbSNP rs749777742, ClinGen allele CA164233685.

ClinVar aggregate classification (germline): Uncertain significance (1 of 4 stars; one submission).

gnomAD v4.1: 4 of 1,614,098 alleles (0.00025%); highest among the groups gnomAD compares: Admixed American, 0.0067%; no homozygotes.

Submission:

Labcorp Genetics (formerly Invitae), Labcorp
Classification: Uncertain significance. Last evaluated: 2022-07-29. Review status: criteria provided, single submitter. Criteria: Invitae Variant Classification Sherloc (09022015). Collection method: clinical testing. Allele origin: germline.
Comment: This sequence change replaces arginine, which is basic and polar, with serine, which is neutral and polar, at codon 571 of the SLC26A3 protein (p.Arg571Ser). This variant is present in population databases (no rsID available, gnomAD 0.006%). This variant has not been reported in the literature in individuals affected with SLC26A3-related conditions. Algorithms developed to predict the effect of missense changes on protein structure and function are either unavailable or do not agree on the potential impact of this missense change (SIFT: "Tolerated"; PolyPhen-2: "Probably Damaging"; Align-GVGD: "Class C0"). In summary, the available evidence is currently insufficient to determine the role of this variant in disease. Therefore, it has been classified as a Variant of Uncertain Significance.